The following is an entry in ClinVar:

NM_001122681.2(SH3BP2):c.1175T>C (p.Val392Ala)

Gene: SH3BP2 (SH3 domain binding protein 2; plus strand). Cytogenetic location: 4p16.3.
Variant type: single nucleotide variant.
Coding change: c.1175T>C on transcript NM_001122681.2 (MANE Select); coding-DNA position 1175, T replaced by C.
Protein change: p.Val392Ala; replaces valine 392 with alanine.
Molecular consequence: missense variant.
Genome position (GRCh38, 1-based): chr4:2,830,081, T>C. VCF-style: chr4-2830081-T-C. GRCh37 (hg19) VCF-style: chr4-2831808-T-C.
Other names: c.1259T>C, p.Val420Ala (NM_001145855.2); c.1346T>C, p.Val449Ala (NM_001145856.2); c.1175T>C, p.Val392Ala (NM_003023.4); short protein forms V392A, V420A, V449A.
Identifiers: ClinVar variation 1520452 (VCV001520452.6), dbSNP rs2108739303, ClinGen allele CA356057296.

ClinVar aggregate classification (germline): Uncertain significance (1 of 4 stars; one submission).

Conditions:
Fibrous dysplasia of jaw (CRBM). Also called: Cherubism. Identifiers: Orphanet 184, MedGen C0008029, MONDO:0007315, OMIM 118400.

Submission:

Labcorp Genetics (formerly Invitae), Labcorp
Classification: Uncertain significance for Fibrous dysplasia of jaw. Last evaluated: 2021-09-20. Review status: criteria provided, single submitter. Criteria: Invitae Variant Classification Sherloc (09022015). Collection method: clinical testing. Allele origin: germline.
Comment: Algorithms developed to predict the effect of missense changes on protein structure and function output the following: SIFT: "Tolerated"; PolyPhen-2: "Benign"; Align-GVGD: "Class C0". The alanine amino acid residue is found in multiple mammalian species, which suggests that this missense change does not adversely affect protein function. In summary, the available evidence is currently insufficient to determine the role of this variant in disease. Therefore, it has been classified as a Variant of Uncertain Significance. This variant has not been reported in the literature in individuals affected with SH3BP2-related conditions. This variant is not present in population databases (ExAC no frequency). This sequence change replaces valine with alanine at codon 392 of the SH3BP2 protein (p.Val392Ala). The valine residue is weakly conserved and there is a small physicochemical difference between valine and alanine.